The following is an entry in ClinVar:

ClinVar aggregate classification (germline): Uncertain significance (1 of 4 stars; one submission).

Conditions:
Malignant hyperthermia, susceptibility to, 1 (MHS1). Also called: Anesthesia related hyperthermia; Malignant hyperpyrexia; Fulminating hyperpyrexia; Pharmacogenic myopathy; Malignant hyperthermia suceptibility 1; RYR1-Related Malignant Hyperthermia Susceptibility. Identifiers: Orphanet 423, MedGen C2930980, MONDO:0007783, OMIM 145600.

Submission:

All of Us Research Program, National Institutes of Health
Classification: Uncertain significance for Malignant hyperthermia, susceptibility to, 1. Last evaluated: 2024-08-06. Review status: criteria provided, single submitter. Criteria: ACMG Guidelines, 2015. Collection method: clinical testing. Allele origin: germline. Inheritance: Autosomal dominant inheritance. Observed: 1 variant allele, 1 heterozygote.
Comment: This study involves interpretation of variants in research participants for the purpose of population health screening. Participant phenotype was not available at the time of variant classification. Additional details can be found in publication PMID: 35346344, PMCID: PMC8962531

NM_000540.3(RYR1):c.10253A>G (p.Asn3418Ser)

Gene: RYR1 (ryanodine receptor 1; plus strand). Cytogenetic location: 19q13.2.
Variant type: single nucleotide variant.
Coding change: c.10253A>G on transcript NM_000540.3 (MANE Select); coding-DNA position 10253, A replaced by G.
Protein change: p.Asn3418Ser; replaces asparagine 3418 with serine.
Molecular consequence: missense variant.
Genome position (GRCh38, 1-based): chr19:38,519,448, A>G. VCF-style: chr19-38519448-A-G. GRCh37 (hg19) VCF-style: chr19-39010088-A-G.
Other names: c.10253A>G, p.Asn3418Ser (NM_001042723.2); short protein forms N3418S.
Identifiers: ClinVar variation 3385524 (VCV003385524.1).